The following is an entry in ClinVar:

NM_001042492.3(NF1):c.7912A>G (p.Ile2638Val)

Gene: NF1 (neurofibromin 1; plus strand). Cytogenetic location: 17q11.2.
Variant type: single nucleotide variant.
Coding change: c.7912A>G on transcript NM_001042492.3 (MANE Select); coding-DNA position 7912, A replaced by G.
Protein change: p.Ile2638Val; replaces isoleucine 2638 with valine.
Molecular consequence: missense variant.
Genome position (GRCh38, 1-based): chr17:31,357,311, A>G. VCF-style: chr17-31357311-A-G. GRCh37 (hg19) VCF-style: chr17-29684329-A-G.
Other names: c.7849A>G, p.Ile2617Val (NM_000267.4); short protein forms I2617V, I2638V.
Identifiers: ClinVar variation 1417893 (VCV001417893.8), dbSNP rs2151583282, ClinGen allele CA399203442.
Genomic context (GRCh38, chr17:31,357,311, plus strand): 5'-TTTTTTGCATCTTGGCAGGCTACACTGGTAAAATATACCACAGATGAGTTTGATCAACGA[A>G]TTCTTTATGAATACTTAGCAGAGGCCAGTGTTGTGTTTCCCAAAGTCTTTCCTGTTGTGT-3'
Protein context (NP_001035957.1, residues 2628-2648): KYTTDEFDQR[Ile2638Val]LYEYLAEASV

ClinVar aggregate classification (germline): Uncertain significance (1 of 4 stars; one submission).

Conditions:
Neurofibromatosis, type 1 (NF1). Also called: Peripheral type neurofibromatosis; Neurofibromatosis, type I; VON RECKLINGHAUSEN DISEASE; NEUROFIBROMATOSIS, TYPE I, SOMATIC. Identifiers: Orphanet 636, MedGen C0027831, MONDO:0018975, OMIM 162200. Disease mechanism: loss of function.

Submission:

Labcorp Genetics (formerly Invitae), Labcorp
Classification: Uncertain significance for Neurofibromatosis, type 1. Last evaluated: 2024-05-29. Review status: criteria provided, single submitter. Criteria: Invitae Variant Classification Sherloc (09022015). Collection method: clinical testing. Allele origin: germline.
Comment: This sequence change replaces isoleucine, which is neutral and non-polar, with valine, which is neutral and non-polar, at codon 2617 of the NF1 protein (p.Ile2617Val). This variant is not present in population databases (gnomAD no frequency). This variant has not been reported in the literature in individuals affected with NF1-related conditions. ClinVar contains an entry for this variant (Variation ID: 1417893). Advanced modeling of protein sequence and biophysical properties (such as structural, functional, and spatial information, amino acid conservation, physicochemical variation, residue mobility, and thermodynamic stability) performed at Invitae indicates that this missense variant is not expected to disrupt NF1 protein function with a negative predictive value of 95%. In summary, the available evidence is currently insufficient to determine the role of this variant in disease. Therefore, it has been classified as a Variant of Uncertain Significance.